The following is an entry in ClinVar:

NM_001365536.1(SCN9A):c.2055C>T (p.Leu685=)

Genes: SCN9A (sodium voltage-gated channel alpha subunit 9; minus strand), SCN1A-AS1 (SCN1A and SCN9A antisense RNA 1; plus strand). Cytogenetic location: 2q24.3.
Variant type: single nucleotide variant.
Coding change: c.2055C>T on transcript NM_001365536.1 (MANE Select); coding-DNA position 2055, C replaced by T.
Protein change: p.Leu685=; no amino-acid change (leucine 685 retained).
Molecular consequence: synonymous variant.
Genome position (GRCh38, 1-based): chr2:166,281,728, G>A on the plus strand (C>T on the coding strand, the complement: SCN9A is on the minus strand). VCF-style: chr2-166281728-G-A. GRCh37 (hg19) VCF-style: chr2-167138238-G-A.
Other names: c.2022C>T, p.Leu674= (NM_002977.4).
Identifiers: ClinVar variation 701850 (VCV000701850.9), dbSNP rs202048023, ClinGen allele CA1944351.

ClinVar aggregate classification (germline): Likely benign. Review status: criteria provided, multiple submitters, no conflicts (2 of 4 stars). 2 submissions from 2 submitters: Likely benign (2). Last evaluated 2026-05-12.

Conditions:
SCN9A-related disorder. Also called: SCN9A-related disorders; SCN9A-related condition.
Generalized epilepsy with febrile seizures plus, type 7 (GEFSP7). Also called: GEFS+, TYPE 7. Identifiers: Orphanet 36387, MedGen C2751778, MONDO:0013470, OMIM 613863.
Neuropathy, hereditary sensory and autonomic, type 2A (HSAN2A). Also called: HSAN IIA; WNK1-Related HSAN2 (HSAN2A); MORVAN DISEASE; NEUROPATHY, CONGENITAL SENSORY; NEUROPATHY, HEREDITARY SENSORY RADICULAR, AUTOSOMAL RECESSIVE; NEUROPATHY, HEREDITARY SENSORY, TYPE IIA. Identifiers: Orphanet 970, MedGen C2752089, MONDO:0024309, OMIM 201300.

Allele frequency attached by ClinVar (database versions not stated): gnomAD exomes 0.00001; ExAC 0.00002; gnomAD 0.00003 and 0.00004; TOPMed 0.00003; ESP Exome Variant Server 0.00008.
gnomAD v4.1: 25 of 1,613,230 alleles (0.0015%); highest among the groups gnomAD compares: African/African-American, 0.0027%; no homozygotes.

Submissions (2):

PreventionGenetics, part of Exact Sciences
Classification: Likely benign for SCN9A-related condition. Last evaluated: 2026-05-12. Review status: criteria provided, single submitter. Criteria: ACMG Guidelines, 2015. Collection method: clinical testing. Allele origin: germline.
Comment: This variant is classified as likely benign based on ACMG/AMP sequence variant interpretation guidelines (Richards et al. 2015 PMID: 25741868, with internal and published modifications).

Labcorp Genetics (formerly Invitae), Labcorp
Classification: Likely benign for Neuropathy, hereditary sensory and autonomic, type 2A; Generalized epilepsy with febrile seizures plus, type 7. Last evaluated: 2025-10-29. Review status: criteria provided, single submitter. Criteria: Invitae Variant Classification Sherloc (09022015). Collection method: clinical testing. Allele origin: germline.